The following is an entry in ClinVar:

ClinVar aggregate classification (germline): Likely pathogenic (1 of 4 stars; one submission).

Conditions:
Hereditary cancer-predisposing syndrome. Also called: Tumor predisposition; Neoplastic Syndromes, Hereditary; Hereditary Cancer Syndrome; Hereditary neoplastic syndrome. Identifiers: Orphanet 140162, MedGen C0027672, MeSH D009386, MONDO:0015356.

Submission:

Ambry Genetics
Classification: Likely pathogenic for Hereditary cancer-predisposing syndrome. Last evaluated: 2024-09-12. Review status: criteria provided, single submitter. Criteria: Ambry Variant Classification Scheme 2023. Collection method: clinical testing. Allele origin: germline.
Comment: The c.212_212+1delGGinsTGA intronic variant results from a deletion of GG and insertion of TGA at nucleotide position c.212_212+1 after coding exon 3 of the BRCA1 gene. Alterations that disrupt the canonical splice site are expected to result in aberrant splicing. The resulting transcript is predicted to be in-frame and is not expected to trigger nonsense-mediated mRNAdecay; however, direct evidence is unavailable. The exact functional effect of the altered amino acid sequence is unknown; however, the impacted region is critical for protein function (Ambry internal data). This variant is considered to be rare based on population cohorts in the Genome Aggregation Database (gnomAD). This nucleotide region is highly conserved in available vertebrate species. Based on the majority of available evidence to date, this variant is likely to be pathogenic.

NM_007294.4(BRCA1):c.212_212+1delinsTGA

Gene: BRCA1 (BRCA1 DNA repair associated; minus strand). Cytogenetic location: 17q21.31.
Variant type: Indel.
Coding change: c.212_212+1delinsTGA on transcript NM_007294.4 (MANE Select); coding-DNA position 212 through the canonical splice donor site of the intron after coding-DNA position 212, GG replaced by TGA.
Molecular consequence: splice donor variant. On other transcripts: intron variant (95).
Genome position (GRCh38, 1-based): chr17:43,106,455-43,106,456, CC replaced by TCA on the plus strand (GG replaced by TGA on the coding strand, the reverse complement: BRCA1 is on the minus strand). VCF-style: chr17-43106455-CC-TCA. GRCh37 (hg19) VCF-style: chr17-41258472-CC-TCA.
Other names: c.2+22_2+23delinsTGA (NM_001408490.1, NM_001407915.1, NM_001407910.1 and 58 more transcripts); c.135-1500_135-1499delinsTGA (NM_001407662.1, NM_001408412.1, NM_001407656.1 and 21 more transcripts); c.212_212+1delinsTGA (NM_001408408.1, NM_001407647.1, NM_001408446.1 and 167 more transcripts); c.71_71+1delinsTGA (NM_001408458.1, NM_001407931.1, NM_001407747.1 and 99 more transcripts); c.-218-11596_-218-11595delinsTGA (NM_001407967.1, NM_001407966.1); c.-169-1500_-169-1499delinsTGA (NM_001407959.1, NM_001407962.1, NM_001408512.1 and 4 more transcripts); c.81-1500_81-1499delinsTGA (NM_001408451.1).
Identifiers: ClinVar variation 3481857 (VCV003481857.1).